The following is an entry in ClinVar:

NM_181458.4(PAX3):c.-359G>T

Genes: PAX3 (paired box 3; minus strand), CCDC140 (CCDC140 long non-coding RNA; plus strand), LOC107980445 (PAX3 promoter region; plus strand). Cytogenetic location: 2q36.1.
Variant type: single nucleotide variant.
Coding change: c.-359G>T on transcript NM_181458.4 (MANE Select); 359 bases upstream of the start codon, G replaced by T.
Molecular consequence: 5 prime UTR variant.
Genome position (GRCh38, 1-based): chr2:222,298,974, C>A on the plus strand (G>T on the coding strand, the complement: PAX3 is on the minus strand). VCF-style: chr2-222298974-C-A. GRCh37 (hg19) VCF-style: chr2-223163693-C-A.
Other names: c.-359G>T (NM_000438.6, NM_001127366.3, NM_013942.5 and 4 more transcripts).
Identifiers: ClinVar variation 334567 (VCV000334567.5), dbSNP rs45501095, ClinGen allele CA10614347.

ClinVar aggregate classification (germline): Benign. Review status: criteria provided, single submitter (1 of 4 stars). 2 submissions from 1 submitter: Benign (2). Last evaluated 2018-01-12.

Conditions:
Waardenburg syndrome. Also called: Waardenburg's syndrome. Identifiers: Orphanet 3440, MedGen C3266898, MONDO:0018094.
Craniofacial-deafness-hand syndrome (CDHS). Identifiers: Orphanet 1529, MedGen C1852510, MONDO:0007395, OMIM 122880.

Allele frequency attached by ClinVar (database versions not stated): gnomAD exomes 0.00018; gnomAD 0.00019 and 0.00025; TOPMed 0.00036; 1000 Genomes Project 0.00180.
gnomAD v4.1: 105 of 446,462 alleles (0.024%); highest among the groups gnomAD compares: East Asian, 0.32%; no homozygotes.

Submissions (2):

Illumina Laboratory Services, Illumina
Classification: Benign for Waardenburg syndrome. Last evaluated: 2018-01-12. Review status: criteria provided, single submitter. Criteria: ICSL Variant Classification Criteria 13 December 2019. Collection method: clinical testing. Allele origin: germline.
Comment: This variant was observed in the ICSL laboratory as part of a predisposition screen in an ostensibly healthy population. It had not been previously curated by ICSL or reported in the Human Gene Mutation Database (HGMD: prior to June 1st, 2018), and was therefore a candidate for classification through an automated scoring system. Utilizing variant allele frequency, disease prevalence and penetrance estimates, and inheritance mode, an automated score was calculated to assess if this variant is too frequent to cause the disease. Based on the score and internal cut-off values, a variant classified as benign is not then subjected to further curation. The score for this variant resulted in a classification of benign for this disease.

Illumina Laboratory Services, Illumina
Classification: Benign for Craniofacial-deafness-hand syndrome. Last evaluated: 2018-01-12. Review status: criteria provided, single submitter. Criteria: ICSL Variant Classification Criteria 13 December 2019. Collection method: clinical testing. Allele origin: germline.
Comment: the same text as in the submission from Illumina Laboratory Services, Illumina above.